The following is an entry in ClinVar:

ClinVar aggregate classification (germline): Uncertain significance (1 of 4 stars; one submission).

Submission:

GeneDx
Classification: Uncertain significance. Last evaluated: 2023-06-12. Review status: criteria provided, single submitter. Criteria: GeneDx Variant Classification Process June 2021. Collection method: clinical testing. Allele origin: germline. Affected: yes.
Comment: Not observed at significant frequency in large population cohorts (gnomAD); In silico analysis supports that this missense variant has a deleterious effect on protein structure/function; Has not been previously published as pathogenic or benign to our knowledge

NM_016148.5(SHANK1):c.6143A>T (p.Asp2048Val)

Gene: SHANK1 (SH3 and multiple ankyrin repeat domains 1; minus strand). Cytogenetic location: 19q13.33.
Variant type: single nucleotide variant.
Coding change: c.6143A>T on transcript NM_016148.5 (MANE Select); coding-DNA position 6143, A replaced by T.
Protein change: p.Asp2048Val; replaces aspartic acid 2048 with valine.
Molecular consequence: missense variant.
Genome position (GRCh38, 1-based): chr19:50,662,308, T>A on the plus strand (A>T on the coding strand, the complement: SHANK1 is on the minus strand). VCF-style: chr19-50662308-T-A. GRCh37 (hg19) VCF-style: chr19-51165565-T-A.
Other names: short protein forms D2048V.
Identifiers: ClinVar variation 3359588 (VCV003359588.1).